The following is an entry in ClinVar:

ClinVar aggregate classification (germline): Uncertain significance. Review status: criteria provided, multiple submitters, no conflicts (2 of 4 stars). 2 submissions from 2 submitters: Uncertain significance (2). Last evaluated 2023-11-21.

Conditions:
Inborn genetic diseases. Identifiers: MedGen C0950123, MeSH D030342.
Combined oxidative phosphorylation defect type 17. Also called: Combined oxidative phosphorylation deficiency 17. Identifiers: Orphanet 369913, MedGen C3809526, MONDO:0014190, OMIM 615440.

Allele frequency attached by ClinVar (database versions not stated): gnomAD exomes 0.00001 and 0.00002; ExAC 0.00002; ESP Exome Variant Server 0.00008; TOPMed 0.00010; gnomAD 0.00011 and 0.00013.
gnomAD v4.1: 27 of 1,613,956 alleles (0.0017%); highest among the groups gnomAD compares: African/African-American, 0.031%; no homozygotes.

Submissions (2):

Ambry Genetics
Classification: Uncertain significance for Inborn genetic diseases. Last evaluated: 2023-11-21. Review status: criteria provided, single submitter. Criteria: Ambry Variant Classification Scheme 2023. Collection method: clinical testing. Allele origin: germline.

Labcorp Genetics (formerly Invitae), Labcorp
Classification: Uncertain significance for Combined oxidative phosphorylation defect type 17. Last evaluated: 2022-07-22. Review status: criteria provided, single submitter. Criteria: Invitae Variant Classification Sherloc (09022015). Collection method: clinical testing. Allele origin: germline.
Comment: This sequence change replaces threonine, which is neutral and polar, with isoleucine, which is neutral and non-polar, at codon 440 of the ELAC2 protein (p.Thr440Ile). This variant is present in population databases (rs373125478, gnomAD 0.04%). This variant has not been reported in the literature in individuals affected with ELAC2-related conditions. ClinVar contains an entry for this variant (Variation ID: 1426817). Algorithms developed to predict the effect of missense changes on protein structure and function (SIFT, PolyPhen-2, Align-GVGD) all suggest that this variant is likely to be tolerated. In summary, the available evidence is currently insufficient to determine the role of this variant in disease. Therefore, it has been classified as a Variant of Uncertain Significance.

NM_018127.7(ELAC2):c.1319C>T (p.Thr440Ile)

Gene: ELAC2 (elaC ribonuclease Z 2; minus strand). Cytogenetic location: 17p12.
Variant type: single nucleotide variant.
Coding change: c.1319C>T on transcript NM_018127.7 (MANE Select); coding-DNA position 1319, C replaced by T.
Protein change: p.Thr440Ile; replaces threonine 440 with isoleucine.
Molecular consequence: missense variant.
Genome position (GRCh38, 1-based): chr17:13,000,260, G>A on the plus strand (C>T on the coding strand, the complement: ELAC2 is on the minus strand). VCF-style: chr17-13000260-G-A. GRCh37 (hg19) VCF-style: chr17-12903577-G-A.
Other names: c.1199C>T, p.Thr400Ile (NM_001165962.2); c.1316C>T, p.Thr439Ile (NM_173717.2); c.1319C>T (NM_018127.6); short protein forms T400I, T440I, T439I.
Identifiers: ClinVar variation 1426817 (VCV001426817.4), dbSNP rs373125478, ClinGen allele CA8401242.